The following is an entry in ClinVar:

ClinVar aggregate classification (germline): Uncertain significance (1 of 4 stars; one submission).

Conditions:
Glycogen storage disease due to muscle and heart glycogen synthase deficiency. Also called: MUSCLE GLYCOGEN SYNTHASE DEFICIENCY; GSD 0b. Identifiers: Orphanet 137625, MedGen C1969054, MONDO:0012693, OMIM 611556.

Submission:

Labcorp Genetics (formerly Invitae), Labcorp
Classification: Uncertain significance for Glycogen storage disease due to muscle and heart glycogen synthase deficiency. Last evaluated: 2022-09-01. Review status: criteria provided, single submitter. Criteria: Invitae Variant Classification Sherloc (09022015). Collection method: clinical testing. Allele origin: germline.
Comment: This sequence change replaces aspartic acid, which is acidic and polar, with asparagine, which is neutral and polar, at codon 471 of the GYS1 protein (p.Asp471Asn). This variant is not present in population databases (gnomAD no frequency). In summary, the available evidence is currently insufficient to determine the role of this variant in disease. Therefore, it has been classified as a Variant of Uncertain Significance. Algorithms developed to predict the effect of missense changes on protein structure and function are either unavailable or do not agree on the potential impact of this missense change (SIFT: "Deleterious"; PolyPhen-2: "Probably Damaging"; Align-GVGD: "Class C15"). This variant has not been reported in the literature in individuals affected with GYS1-related conditions.

NM_002103.5(GYS1):c.1411G>A (p.Asp471Asn)

Gene: GYS1 (glycogen synthase 1; minus strand). Cytogenetic location: 19q13.33.
Variant type: single nucleotide variant.
Coding change: c.1411G>A on transcript NM_002103.5 (MANE Select); coding-DNA position 1411, G replaced by A.
Protein change: p.Asp471Asn; replaces aspartic acid 471 with asparagine.
Molecular consequence: missense variant. On other transcripts: non-coding transcript variant (1).
Genome position (GRCh38, 1-based): chr19:48,974,631, C>T on the plus strand (G>A on the coding strand, the complement: GYS1 is on the minus strand). VCF-style: chr19-48974631-C-T. GRCh37 (hg19) VCF-style: chr19-49477888-C-T.
Other names: c.1219G>A, p.Asp407Asn (NM_001161587.2); short protein forms D407N, D471N.
Identifiers: ClinVar variation 2165690 (VCV002165690.4), dbSNP rs2038615930, ClinGen allele CA406761573.